The following is an entry in ClinVar:

NM_001083601.3(NAA60):c.-128C>G

Genes: NAA60 (N-alpha-acetyltransferase 60, NatF catalytic subunit; plus strand), LOC130058337 (ATAC-STARR-seq lymphoblastoid active region 10322; plus strand). Cytogenetic location: 16p13.3.
Variant type: single nucleotide variant.
Coding change: c.-128C>G on transcript NM_001083601.3 (MANE Select); 128 bases upstream of the start codon, C replaced by G.
Molecular consequence: 5 prime UTR variant. On other transcripts: missense variant (1).
Genome position (GRCh38, 1-based): chr16:3,443,786, C>G. VCF-style: chr16-3443786-C-G. GRCh37 (hg19) VCF-style: chr16-3493786-C-G.
Other names: c.20C>G, p.Thr7Arg (NM_001317093.1); short protein forms T7R.
Identifiers: ClinVar variation 4533538 (VCV004533538.6).

ClinVar aggregate classification (germline): Likely benign (1 of 4 stars; one submission).

gnomAD v4.1: 595 of 1,534,226 alleles (0.039%); highest among the groups gnomAD compares: East Asian, 0.81%; 10 homozygotes.

Submission:

CeGaT Center for Human Genetics Tuebingen
Classification: Likely benign. Last evaluated: 2025-10-01. Review status: criteria provided, single submitter. Criteria: CeGaT Center For Human Genetics Tuebingen Variant Classification Criteria Version 2. Collection method: clinical testing. Allele origin: germline. Affected: yes. Observed: 1 variant allele.
Comment: NAA60: BP4